The following is an entry in ClinVar:

ClinVar aggregate classification (germline): Benign/Likely benign. Review status: criteria provided, multiple submitters, no conflicts (2 of 4 stars). 4 submissions from 4 submitters: Benign (1); Likely benign (3). Last evaluated 2026-01-27.

Conditions:
Ehlers-Danlos syndrome, classic type, 1 (EDSCL1). Also called: Ehlers-Danlos Syndrome, Classic Type, COL5A1-Related; EDS I; Ehlers-Danlos syndrome, type 1; EHLERS-DANLOS SYNDROME, GRAVIS TYPE; EHLERS-DANLOS SYNDROME, SEVERE CLASSIC TYPE. Identifiers: MedGen C0268335, MONDO:0019567, OMIM 130000.
Familial thoracic aortic aneurysm and aortic dissection (TAAD). Also called: Thoracic aortic aneurysms and dissections. Identifiers: Orphanet 91387, MedGen C4707243, MONDO:0019625.

Allele frequency attached by ClinVar (database versions not stated): ESP Exome Variant Server 0.00008; gnomAD 0.00003 and 0.00004; ExAC 0.00010; gnomAD exomes 0.00004 and 0.00009; TOPMed 0.00005.
gnomAD v4.1: 62 of 1,613,872 alleles (0.0038%); highest among the groups gnomAD compares: East Asian, 0.033%; 1 homozygote.

Submissions (4):

Labcorp Genetics (formerly Invitae), Labcorp
Classification: Likely benign for Ehlers-Danlos syndrome, classic type, 1. Last evaluated: 2026-01-27. Review status: criteria provided, single submitter. Criteria: Invitae Variant Classification Sherloc (09022015). Collection method: clinical testing. Allele origin: germline.

Women's Health and Genetics/Laboratory Corporation of America, LabCorp
Classification: Benign. Last evaluated: 2026-01-09. Review status: criteria provided, single submitter. Criteria: LabCorp Variant Classification Summary - May 2015. Collection method: clinical testing. Allele origin: germline.

GeneDx
Classification: Likely benign. Last evaluated: 2021-06-07. Review status: criteria provided, single submitter. Criteria: GeneDx Variant Classification Process June 2021. Collection method: clinical testing. Allele origin: germline. Affected: yes.
Comment: This variant is associated with the following publications: (PMID: 26582918, 27535533)

Ambry Genetics
Classification: Likely benign for Familial thoracic aortic aneurysm and aortic dissection. Last evaluated: 2020-08-06. Review status: criteria provided, single submitter. Criteria: Ambry Variant Classification Scheme 2023. Collection method: clinical testing. Allele origin: germline.

NM_000093.5(COL5A1):c.945G>A (p.Thr315=)

Gene: COL5A1 (collagen type V alpha 1 chain; plus strand). Cytogenetic location: 9q34.3.
Variant type: single nucleotide variant.
Coding change: c.945G>A on transcript NM_000093.5 (MANE Select); coding-DNA position 945, G replaced by A.
Protein change: p.Thr315=; no amino-acid change (threonine 315 retained).
Molecular consequence: synonymous variant.
Genome position (GRCh38, 1-based): chr9:134,730,256, G>A. VCF-style: chr9-134730256-G-A. GRCh37 (hg19) VCF-style: chr9-137622102-G-A.
Other names: c.945G>A, p.Thr315= (NM_001278074.1); c.945G>A (NM_000093.3).
Identifiers: ClinVar variation 529305 (VCV000529305.16), dbSNP rs149123775, ClinGen allele CA5318605.